The following is an entry in ClinVar:

NM_017534.6(MYH2):c.2617G>A (p.Glu873Lys)

Genes: MYH2 (myosin heavy chain 2; minus strand), MYHAS (myosin heavy chain gene cluster antisense RNA; plus strand). Cytogenetic location: 17p13.1.
Variant type: single nucleotide variant.
Coding change: c.2617G>A on transcript NM_017534.6 (MANE Select); coding-DNA position 2617, G replaced by A.
Protein change: p.Glu873Lys; replaces glutamic acid 873 with lysine.
Molecular consequence: missense variant.
Genome position (GRCh38, 1-based): chr17:10,531,713, C>T on the plus strand (G>A on the coding strand, the complement: MYH2 is on the minus strand). VCF-style: chr17-10531713-C-T. GRCh37 (hg19) VCF-style: chr17-10435030-C-T.
Other names: c.2617G>A, p.Glu873Lys (NM_001100112.2); short protein forms E873K.
Identifiers: ClinVar variation 1518503 (VCV001518503.8), dbSNP rs770099846, ClinGen allele CA8391101.

ClinVar aggregate classification (germline): Uncertain significance (1 of 4 stars; one submission).

Conditions:
Myopathy, proximal, and ophthalmoplegia (CMYO6). Also called: MYOPATHY WITH CONGENITAL JOINT CONTRACTURES, OPHTHALMOPLEGIA, AND RIMMED VACUOLES; INCLUSION BODY MYOPATHY 3, AUTOSOMAL DOMINANT; CONGENITAL MYOPATHY 6 WITH OPHTHALMOPLEGIA. Identifiers: Orphanet 363677, Orphanet 79091, MedGen C1854106, MONDO:0011577, OMIM 605637.

Allele frequency attached by ClinVar (database versions not stated): ExAC 0.00001; gnomAD exomes 0.00001.

Submission:

Labcorp Genetics (formerly Invitae), Labcorp
Classification: Uncertain significance for Myopathy, proximal, and ophthalmoplegia. Last evaluated: 2022-07-06. Review status: criteria provided, single submitter. Criteria: Invitae Variant Classification Sherloc (09022015). Collection method: clinical testing. Allele origin: germline.
Comment: In summary, the available evidence is currently insufficient to determine the role of this variant in disease. Therefore, it has been classified as a Variant of Uncertain Significance. Algorithms developed to predict the effect of missense changes on protein structure and function (SIFT, PolyPhen-2, Align-GVGD) all suggest that this variant is likely to be disruptive. ClinVar contains an entry for this variant (Variation ID: 1518503). This variant has not been reported in the literature in individuals affected with MYH2-related conditions. This variant is present in population databases (rs770099846, gnomAD 0.002%). This sequence change replaces glutamic acid, which is acidic and polar, with lysine, which is basic and polar, at codon 873 of the MYH2 protein (p.Glu873Lys).